The following is an entry in ClinVar:

ClinVar aggregate classification (germline): Pathogenic. Review status: criteria provided, multiple submitters, no conflicts (2 of 4 stars). 2 submissions from 2 submitters: Pathogenic (2). Last evaluated 2022-12-01.

Conditions:
Severe intellectual disability-progressive spastic diplegia syndrome (NEDSDV). Also called: CTNNB1 Neurodevelopmental Disorder; NEURODEVELOPMENTAL DISORDER WITH SPASTIC DIPLEGIA AND VISUAL DEFECTS. Identifiers: Orphanet 404473, MedGen C3554449, MONDO:0014035, OMIM 615075.

Submissions (2):

CeGaT Center for Human Genetics Tuebingen
Classification: Pathogenic. Last evaluated: 2022-12-01. Review status: criteria provided, single submitter. Criteria: CeGaT Center For Human Genetics Tuebingen Variant Classification Criteria Version 2. Collection method: clinical testing. Allele origin: germline. Affected: yes. Observed: 1 variant allele.
Comment: CTNNB1: PVS1, PS2, PM2

Pittsburgh Clinical Genomics Laboratory, University of Pittsburgh Medical Center
Classification: Pathogenic for Severe intellectual disability-progressive spastic diplegia syndrome. Last evaluated: 2022-08-31. Review status: criteria provided, single submitter. Criteria: ACMG Guidelines, 2015. Collection method: clinical testing. Allele origin: germline. Inheritance: Autosomal dominant inheritance. Affected: yes.
Comment: This sequence variant is a single nucleotide deletion (delG) at coding position 2083 of the CTNNB1 gene that results in an early termition codon 40 amino acids downstream of the altertive reading frame introduced at asparagine 695. This variant is predicted to generate a non-functiol allele through either the expression of a truncated protein or a loss of CTNNB1 expression due to nonsense mediated decay. This is a novel, de novo variant that has not been observed in the literature in individuals with CTNNB1-related disease or in databases of clinically annotated variants. This variant is absent from the gnomAD control population datasets (0 of ~250,000 alleles). Since haploinsufficiency is a known mechanism of disease for CTNNB1, we consider this variant to be pathogenic. ACMG Criteria: PM2, PS2, PVS1

NM_001904.4(CTNNB1):c.2083del (p.Asp695fs)

Gene: CTNNB1 (catenin beta 1; plus strand). Cytogenetic location: 3p22.1.
Variant type: Deletion.
Coding change: c.2083del on transcript NM_001904.4 (MANE Select); coding-DNA position 2083, one base deleted (G; older notation c.2083delG).
Protein change: p.Asp695fs; shifts the reading frame from aspartic acid 695.
Molecular consequence: frameshift variant.
Genome position (GRCh38, 1-based): chr3:41,238,022, G deleted. VCF-style (leftmost placement, unchanged base first): chr3-41238021-TG-T. GRCh37 (hg19) VCF-style: chr3-41279512-TG-T.
Other names: c.2083del, p.Asp695fs (NM_001098209.2, NM_001098210.2); c.2062del, p.Asp688fs (NM_001330729.2); short protein forms D688fs, D695fs.
Identifiers: ClinVar variation 1879576 (VCV001879576.30), dbSNP rs2470857118, ClinGen allele CA2580069807.